The following is an entry in ClinVar:

ClinVar aggregate classification (germline): Likely benign (0 of 4 stars; one submission).

Conditions:
ATP13A3-related disorder. Also called: ATP13A3-related condition.

Allele frequency attached by ClinVar (database versions not stated): gnomAD exomes 0.00001; ExAC 0.00004; TOPMed 0.00014; 1000 Genomes Project 30x 0.00016; ESP Exome Variant Server 0.00017; 1000 Genomes Project 0.00020; gnomAD 0.00021.
gnomAD v4.1: 50 of 1,589,682 alleles (0.0031%); highest among the groups gnomAD compares: African/African-American, 0.064%; no homozygotes.

Submission:

PreventionGenetics, part of Exact Sciences
Classification: Likely benign for ATP13A3-related condition. Last evaluated: 2020-02-26. Review status: no assertion criteria provided. Collection method: clinical testing. Allele origin: germline.
Comment: This variant is classified as likely benign based on ACMG/AMP sequence variant interpretation guidelines (Richards et al. 2015 PMID: 25741868, with internal and published modifications).

NM_001367549.1(ATP13A3):c.2422-9T>C

Gene: ATP13A3 (ATPase 13A3; minus strand). Cytogenetic location: 3q29.
Variant type: single nucleotide variant.
Coding change: c.2422-9T>C on transcript NM_001367549.1 (MANE Select); 9 bases into the intron before coding-DNA position 2422, T replaced by C.
Molecular consequence: intron variant.
Genome position (GRCh38, 1-based): chr3:194,431,235, A>G on the plus strand (T>C on the coding strand, the complement: ATP13A3 is on the minus strand). VCF-style: chr3-194431235-A-G. GRCh37 (hg19) VCF-style: chr3-194151964-A-G.
Other names: c.2341-9T>C (NM_001374836.1); c.2422-9T>C (NM_024524.4).
Identifiers: ClinVar variation 3050982 (VCV003050982.2), dbSNP rs200107773, ClinGen allele CA2761670.